The following is an entry in ClinVar:

NM_016616.5(NME8):c.617A>C (p.Asp206Ala)

Gene: NME8 (NME/NM23 family member 8; plus strand). Cytogenetic location: 7p14.1.
Variant type: single nucleotide variant.
Coding change: c.617A>C on transcript NM_016616.5 (MANE Select); coding-DNA position 617, A replaced by C.
Protein change: p.Asp206Ala; replaces aspartic acid 206 with alanine.
Molecular consequence: missense variant.
Genome position (GRCh38, 1-based): chr7:37,865,613, A>C. VCF-style: chr7-37865613-A-C. GRCh37 (hg19) VCF-style: chr7-37905215-A-C.
Other names: short protein forms D206A.
Identifiers: ClinVar variation 1752034 (VCV001752034.2), dbSNP rs2483628086, ClinGen allele CA367222235.

ClinVar aggregate classification (germline): Uncertain significance (1 of 4 stars; one submission).

Conditions:
Primary ciliary dyskinesia. Also called: Ciliary dyskinesia. Identifiers: Orphanet 244, MedGen C0008780, MONDO:0016575, HP:0012265.

Submission:

Ambry Genetics
Classification: Uncertain significance for Primary ciliary dyskinesia. Last evaluated: 2022-06-22. Review status: criteria provided, single submitter. Criteria: Ambry Variant Classification Scheme 2023. Collection method: clinical testing. Allele origin: germline.
Comment: The p.D206A variant (also known as c.617A>C), located in coding exon 8 of the NME8 gene, results from an A to C substitution at nucleotide position 617. The aspartic acid at codon 206 is replaced by alanine, an amino acid with dissimilar properties. This amino acid position is conserved. In addition, this alteration is predicted to be tolerated by in silico analysis. Since supporting evidence is limited at this time, the clinical significance of this alteration remains unclear.